The following is an entry in ClinVar:

ClinVar aggregate classification (germline): Pathogenic. Review status: reviewed by expert panel (3 of 4 stars). 16 submissions from 16 submitters: Pathogenic (1). 15 of the submissions do not count toward it. Last evaluated 2025-07-08.

Conditions:
DYSF-related disorder. Also called: DYSF-related condition; DYSF-related disorders.
Autosomal recessive DYSF-related disorders.
Autosomal recessive limb-girdle muscular dystrophy. Identifiers: Orphanet 102015, MedGen C2931907, MONDO:0015152.
Neuromuscular disease caused by qualitative or quantitative defects of dysferlin. Also called: Dysferlinopathy; Qualitative or quantitative defects of dysferlin. Identifiers: Orphanet 207073, MedGen C2931687, MONDO:0016145.
Autosomal recessive limb-girdle muscular dystrophy type 2B (LGMDR2). Also called: MUSCULAR DYSTROPHY, LIMB-GIRDLE, AUTOSOMAL RECESSIVE 2; Limb-girdle muscular dystrophy, type 2B; Limb-Girdle Muscular Dystrophy Type 2B (LGMD2B); MUSCULAR DYSTROPHY, LIMB-GIRDLE, TYPE 3. Identifiers: Orphanet 268, MedGen C1850889, MONDO:0009676, OMIM 253601.
Miyoshi muscular dystrophy 1 (MMD1). Identifiers: Orphanet 45448, MedGen C4551973, MONDO:0024545, OMIM 254130.
Distal myopathy with anterior tibial onset. Identifiers: Orphanet 178400, MedGen C1847532, MONDO:0011721, OMIM 606768.

Allele frequency attached by ClinVar (database versions not stated): gnomAD 0.00004 and 0.00005; 1000 Genomes Project 30x 0.00031; ESP Exome Variant Server 0.00008; TOPMed 0.00008; ExAC 0.00010; gnomAD exomes 0.00012 and 0.00017; 1000 Genomes Project 0.00020.
gnomAD v4.1: 256 of 1,614,088 alleles (0.016%); highest among the groups gnomAD compares: Non-Finnish European, 0.019%; no homozygotes.

Submissions 1 to 8 of 16:

ClinGen Limb Girdle Muscular Dystrophy Variant Curation Expert Panel, ClinGen
Classification: Pathogenic for Autosomal recessive limb-girdle muscular dystrophy. Last evaluated: 2025-07-08. Review status: reviewed by expert panel. Criteria: ClinGen LGMD VCEP ACMG Specifications DYSF V1.0.0. Collection method: curation. Allele origin: germline. Inheritance: Autosomal recessive inheritance.
Comment: The NM_003494.4: c.757C>T variant in DYSF, which is also known as NM_001130987.2: c.853C>T p.(Arg285Trp), is a missense variant predicted to cause substitution of arginine by tryptophan at amino acid 253, p.(Arg253Trp). This variant has been reported in at least 10 individuals with symptoms consistent with LGMD (PMID: 16010686, 18853459, 24803842, 25868377, 26404900, 27666772, 30564623, 30919934, 36983702; LOVD DYSF_000205), including in a homozygous state without reported familial consanguinity in one patient (0.5 pts; PMID: 30919934) and confirmed in trans with a likely pathogenic or pathogenic variant in two patients (NM_003494.4: c.5979dup p.(Glu1994ArgfsTer3), 1.0 pt, LOVD Individual #00215315; NM_003494.4: c.2894G>A p.(Trp965Ter), 1.0 pt, PMID: 36983702) (PM3_Strong). At least one patient with this variant and a second presumed diagnostic DYSF variant displayed progressive proximal muscle weakness and significantly reduced or absent dysferlin protein expression in skeletal muscle or blood monocytes, which is highly specific for DYSF-associated LGMD (PP4_Strong; PMID: 36983702, 27666772, 25868377). The highest minor allele frequency for this variant in gnomAD v4.1.0 is 0.0001890 in the European (non-Finnish) population (223/1180018 alleles), which is higher than the LGMD VCEP threshold for PM2_Supporting (0.0001) (criterion not met). The computational predictor REVEL gives a score of 0.614, which is below the VCEP's threshold of 0.7 for PP3 (criterion not met). However, immunofluorescence and 2-A assays of dysferlin membrane localization in HEK293T cells showed the Arg253Trp protein did not reach the cell membrane, indicating an impact on protein function (PMID: 35028538) (PS3_Moderate). In summary, this variant meets the criteria to be classified as Pathogenic for autosomal recessive limb girdle muscular dystrophy based on the ACMG/AMP criteria applied, as specified by the ClinGen LGMD VCEP (LGMD VCEP specifications version 1.0.0; 07/08/2025): PM3_Strong, PP4_Strong, PS3_Moderate.

CeGaT Center for Human Genetics Tuebingen
Classification: Pathogenic. Last evaluated: 2026-05-01. Review status: criteria provided, single submitter. Criteria: CeGaT Center For Human Genetics Tuebingen Variant Classification Criteria Version 2. Collection method: clinical testing. Allele origin: germline. Affected: yes. Observed: 2 variant alleles. Not counted in ClinVar's aggregate classification.
Comment: DYSF: PM3:Very Strong, PM2:Supporting, PP3

Women's Health and Genetics/Laboratory Corporation of America, LabCorp
Classification: Pathogenic for Autosomal recessive limb-girdle muscular dystrophy. Last evaluated: 2026-02-24. Review status: criteria provided, single submitter. Criteria: LabCorp Variant Classification Summary - May 2015. Collection method: clinical testing. Allele origin: germline. Not counted in ClinVar's aggregate classification.
Comment: Variant summary: DYSF c.757C>T (p.Arg253Trp) results in a non-conservative amino acid change in the encoded protein sequence. Algorithms developed to predict the effect of missense changes on protein structure and function all suggest that this variant is likely to be disruptive. The variant allele was found at a frequency of 0.00012 in 251448 control chromosomes. This frequency is not significantly higher than estimated for disease-causing variants in DYSF, allowing no conclusion about variant significance. c.757C>T has been observed as a biallelic genotype in multiple individuals affected with Autosomal Recessive Limb-Girdle Muscular Dystrophy (e.g. Harris_2016). These data indicate that the variant is very likely to be associated with disease. To our knowledge, no experimental evidence demonstrating an impact on protein function has been reported. The following publication has been ascertained in the context of this evaluation (PMID: 27602406). ClinVar contains an entry for this variant (Variation ID: 284800). Based on the evidence outlined above, the variant was classified as pathogenic.

Labcorp Genetics (formerly Invitae), Labcorp
Classification: Pathogenic for Neuromuscular disease caused by qualitative or quantitative defects of dysferlin. Last evaluated: 2026-01-26. Review status: criteria provided, single submitter. Criteria: Invitae Variant Classification Sherloc (09022015). Collection method: clinical testing. Allele origin: germline. Not counted in ClinVar's aggregate classification.
Comment: This sequence change replaces arginine, which is basic and polar, with tryptophan, which is neutral and slightly polar, at codon 253 of the DYSF protein (p.Arg253Trp). This variant is present in population databases (rs149827237, gnomAD 0.04%). This missense change has been observed in individual(s) with clinical features of dysferlinopathies (PMID: 16010686, 18853459, 25868377, 27666772, 30919934; internal data). In at least one individual the data is consistent with being in trans (on the opposite chromosome) from a pathogenic variant. ClinVar contains an entry for this variant (Variation ID: 284800). Invitae Evidence Modeling of protein sequence and biophysical properties (such as structural, functional, and spatial information, amino acid conservation, physicochemical variation, residue mobility, and thermodynamic stability) indicates that this missense variant is expected to disrupt DYSF protein function with a positive predictive value of 95%. For these reasons, this variant has been classified as Pathogenic.

Clinical Genetics Laboratory, University Hospital Schleswig-Holstein
Classification: Likely pathogenic for Autosomal recessive limb-girdle muscular dystrophy type 2B. Last evaluated: 2025-11-07. Review status: criteria provided, single submitter. Criteria: ACMG Guidelines, 2015. Collection method: clinical testing. Allele origin: paternal. Affected: yes. Observed: 1 heterozygote. Not counted in ClinVar's aggregate classification.
Comment: ACMG criteria applied: PM2, PM3_Strong, PP3

Natera, Inc.
Classification: Pathogenic for Limb-girdle muscular dystrophy type 2B. Last evaluated: 2025-09-30. Review status: criteria provided, single submitter. Criteria: Natera Variant Classification Schema (03/2026). Collection method: clinical testing. Allele origin: germline. Not counted in ClinVar's aggregate classification.
Comment: The c.757C>T variant in DYSF is a missense variant predicted to cause substitution of arginine to tryptophan at amino acid 253. This variant is rare in the general population with a frequency below the threshold expected for the associated phenotype(s). This variant has been observed in one or more individuals affected with the associated recessive disease, as either homozygous or compound heterozygous with a second variant (PMID: 33215690, 30919934, 27666772, 26404900, 24803842, 27602406). Computational prediction algorithms indicate this variant is likely to affect gene or protein function. Given the available evidence, this variant is classified as Pathogenic.

GeneDx
Classification: Pathogenic. Last evaluated: 2025-08-14. Review status: criteria provided, single submitter. Criteria: GeneDx Variant Classification Process June 2021. Collection method: clinical testing. Allele origin: germline. Affected: yes. Not counted in ClinVar's aggregate classification.
Comment: Observed in the homozygous state in one individual with isolated elevated creatine kinase levels who had only a mild reduction of dysferlin on western blot analysis and in a patient with a diagnosis of LGMDR2 and reduced immunohistochemistry on muscle biopsy and absent western blot on muscle biopsy (PMID: 16010686, 33610434); In silico analysis supports that this missense variant has a deleterious effect on protein structure/function; This variant is associated with the following publications: (PMID: 27666772, 23891399, 18853459, 25868377, 28888072, 27017278, 33215690, 31589614, 30919934, 16010686, 33715265, 33610434, 36672942, 39900102, 33927379, 24438169)

Revvity Omics, Revvity
Classification: Pathogenic. Last evaluated: 2025-07-01. Review status: criteria provided, single submitter. Criteria: ACMG Guidelines, 2015. Collection method: clinical testing. Allele origin: germline. Not counted in ClinVar's aggregate classification.

NM_001130987.2(DYSF):c.853C>T (p.Arg285Trp)

Gene: DYSF (dysferlin; plus strand). Cytogenetic location: 2p13.2.
Variant type: single nucleotide variant.
Coding change: c.853C>T on transcript NM_001130987.2 (MANE Select); coding-DNA position 853, C replaced by T.
Protein change: p.Arg285Trp; replaces arginine 285 with tryptophan.
Molecular consequence: missense variant.
Genome position (GRCh38, 1-based): chr2:71,515,716, C>T. VCF-style: chr2-71515716-C-T. GRCh37 (hg19) VCF-style: chr2-71742846-C-T.
Other names: NM_001130987.2(DYSF):c.853C>T; p.Arg285Trp; c.760C>T, p.Arg254Trp (NM_001130455.2, NM_001130983.2, NM_001130984.2 and 1 more transcripts); c.757C>T, p.Arg253Trp (NM_001130976.2, NM_001130977.2, NM_001130978.2 and 1 more transcripts); c.850C>T, p.Arg284Trp (NM_001130979.2, NM_001130980.2, NM_001130981.2); c.853C>T, p.Arg285Trp (NM_001130982.2, NM_001130985.2); short protein forms R285W, R253W, R254W, R284W.
Identifiers: ClinVar variation 284800 (VCV000284800.80), dbSNP rs149827237, ClinGen allele CA1705479.